The following is an entry in ClinVar:

NM_002456.6(MUC1):c.160-328G>C

Gene: MUC1 (mucin 1, cell surface associated; minus strand). Cytogenetic location: 1q22.
Variant type: single nucleotide variant.
Coding change: c.160-328G>C on transcript NM_002456.6; 328 bases into the intron before coding-DNA position 160, G replaced by C.
Molecular consequence: intron variant. On other transcripts: synonymous variant (3).
Genome position (GRCh38, 1-based): chr1:155,188,613, C>G on the plus strand (G>C on the coding strand, the complement: MUC1 is on the minus strand). VCF-style: chr1-155188613-C-G. GRCh37 (hg19) VCF-style: chr1-155161089-C-G.
Other names: c.438G>C, p.Pro146= (NM_001204285.2); c.465G>C, p.Pro155= (NM_001204286.1); c.2703G>C, p.Pro901= (NM_001371720.2); c.187-382G>C (NM_001204288.2, NM_001018016.3, NM_001204295.1 and 1 more transcripts); c.187-328G>C (NM_001204297.2, NM_001204287.2); c.187-550G>C (NM_001204291.1); c.187-401G>C (NM_001204292.1, NM_001204296.2); c.124-559G>C (NM_001204290.2); and 4 more.
Identifiers: ClinVar variation 4083976 (VCV004083976.8).

ClinVar aggregate classification (germline): Likely benign (1 of 4 stars; one submission).

Submission:

CeGaT Center for Human Genetics Tuebingen
Classification: Likely benign. Last evaluated: 2025-09-01. Review status: criteria provided, single submitter. Criteria: CeGaT Center For Human Genetics Tuebingen Variant Classification Criteria Version 2. Collection method: clinical testing. Allele origin: germline. Affected: yes. Observed: 2 variant alleles.
Comment: MUC1: BP4, BP7